The following is an entry in ClinVar:

ClinVar aggregate classification (germline): Uncertain significance (1 of 4 stars; one submission).

Allele frequency attached by ClinVar (database versions not stated): gnomAD exomes 0.00001; TOPMed 0.00001.
gnomAD v4.1: 8 of 1,211,747 alleles (0.00066%); highest among the groups gnomAD compares: Admixed American, 0.0065%; no homozygotes.

Submission:

Labcorp Genetics (formerly Invitae), Labcorp
Classification: Uncertain significance. Last evaluated: 2025-06-12. Review status: criteria provided, single submitter. Criteria: Invitae Variant Classification Sherloc (09022015). Collection method: clinical testing. Allele origin: germline.
Comment: This sequence change replaces proline, which is neutral and non-polar, with serine, which is neutral and polar, at codon 967 of the AMER1 protein (p.Pro967Ser). This variant is present in population databases (no rsID available, gnomAD 0.008%). This variant has not been reported in the literature in individuals affected with AMER1-related conditions. ClinVar contains an entry for this variant (Variation ID: 2184407). An algorithm developed to predict the effect of missense changes on protein structure and function outputs the following: PolyPhen-2: "Benign". The serine amino acid residue is found in multiple mammalian species, which suggests that this missense change does not adversely affect protein function. In summary, the available evidence is currently insufficient to determine the role of this variant in disease. Therefore, it has been classified as a Variant of Uncertain Significance.

NM_152424.4(AMER1):c.2899C>T (p.Pro967Ser)

Gene: AMER1 (APC membrane recruitment protein 1; minus strand). Cytogenetic location: Xq11.2.
Variant type: single nucleotide variant.
Coding change: c.2899C>T on transcript NM_152424.4 (MANE Select); coding-DNA position 2899, C replaced by T.
Protein change: p.Pro967Ser; replaces proline 967 with serine.
Molecular consequence: missense variant.
Genome position (GRCh38, 1-based): chrX:64,190,388, G>A on the plus strand (C>T on the coding strand, the complement: AMER1 is on the minus strand). VCF-style: chrX-64190388-G-A. GRCh37 (hg19) VCF-style: chrX-63410268-G-A.
Other names: short protein forms P967S.
Identifiers: ClinVar variation 2184407 (VCV002184407.4), dbSNP rs968815543, ClinGen allele CA413301936.